The following is an entry in ClinVar:

NM_032217.5(ANKRD17):c.233G>A (p.Arg78Gln)

Gene: ANKRD17 (ankyrin repeat domain 17; minus strand). Cytogenetic location: 4q13.3.
Variant type: single nucleotide variant.
Coding change: c.233G>A on transcript NM_032217.5 (MANE Select); coding-DNA position 233, G replaced by A.
Protein change: p.Arg78Gln; replaces arginine 78 with glutamine.
Molecular consequence: missense variant.
Genome position (GRCh38, 1-based): chr4:73,258,436, C>T on the plus strand (G>A on the coding strand, the complement: ANKRD17 is on the minus strand). VCF-style: chr4-73258436-C-T. GRCh37 (hg19) VCF-style: chr4-74124153-C-T.
Other names: c.233G>A, p.Arg78Gln (NM_015574.2, NM_198889.3); short protein forms R78Q.
Identifiers: ClinVar variation 4887370 (VCV004887370.1).
Genomic context (GRCh38, chr4:73,258,436, plus strand): 5'-CCGCCGCCGCTGTTGTCGCTGTCGCTGCTGCTTTCGCTGCTGCTGGGGGGTCGGCAAGTC[C>T]GGTTACGCTTGGCCTTGTGGTGCTGCTGCTGCGGCGGCTTCTTCTTCAGGAGCAGGTCGC-3'
Protein context (NP_115593.3, residues 68-88): QQQHHKAKRN[Arg78Gln]TCRPPSSSES

ClinVar aggregate classification (germline): Uncertain significance (1 of 4 stars; one submission).

gnomAD v4.1: 12 of 1,610,062 alleles (0.00075%); highest among the groups gnomAD compares: Non-Finnish European, 0.001%; no homozygotes.

Submission:

Women's Health and Genetics/Laboratory Corporation of America, LabCorp
Classification: Uncertain significance. Last evaluated: 2026-06-10. Review status: criteria provided, single submitter. Criteria: LabCorp Variant Classification Summary - May 2015. Collection method: clinical testing. Allele origin: germline.
Comment: Variant summary: ANKRD17 c.233G>A (p.Arg78Gln) results in a conservative amino acid change in the encoded protein sequence. Algorithms developed to predict the effect of missense changes on protein structure and function all suggest that this variant is likely to be tolerated. The frequency data for this variant in gnomAD is considered unreliable, as metrics indicate poor data quality at this position. To our knowledge, no occurrence of c.233G>A in individuals affected with ANKRD17-related conditions and no experimental evidence demonstrating its impact on protein function have been reported. No submitters have cited clinical-significance assessments for this variant to ClinVar. Based on the evidence outlined above, the variant was classified as uncertain significance.